The following is an entry in ClinVar:

NM_001130009.3(GEN1):c.2600T>A (p.Phe867Tyr)

Gene: GEN1 (GEN1 Holliday junction 5' flap endonuclease; plus strand). Cytogenetic location: 2p24.2.
Variant type: single nucleotide variant.
Coding change: c.2600T>A on transcript NM_001130009.3 (MANE Select); coding-DNA position 2600, T replaced by A.
Protein change: p.Phe867Tyr; replaces phenylalanine 867 with tyrosine.
Molecular consequence: missense variant.
Genome position (GRCh38, 1-based): chr2:17,781,812, T>A. VCF-style: chr2-17781812-T-A. GRCh37 (hg19) VCF-style: chr2-17963079-T-A.
Other names: c.2600T>A, p.Phe867Tyr (NM_182625.5); short protein forms F867Y.
Identifiers: ClinVar variation 3853488 (VCV003853488.1).
Genomic context (GRCh38, chr2:17,781,812, plus strand): 5'-TTAAAGAAACTGAACAGTGTGTCAGATCTTATGAAACAGCTGAAAATGAAGAAAGCTGTT[T>A]CCCAGATTCAACAAAAAGTTCTCTGAGTTCTCTACAATGTCATAAGAAAGAAAACAACTC-3'
Protein context (NP_001123481.3, residues 857-877): YETAENEESC[Phe867Tyr]PDSTKSSLSS

ClinVar aggregate classification (germline): Uncertain significance (1 of 4 stars; one submission).

Submission:

Ambry Genetics
Classification: Uncertain significance. Last evaluated: 2025-01-06. Review status: criteria provided, single submitter. Criteria: Ambry Variant Classification Scheme 2023. Collection method: clinical testing. Allele origin: germline.
Comment: The p.F867Y variant (also known as c.2600T>A), located in coding exon 13 of the GEN1 gene, results from a T to A substitution at nucleotide position 2600. The phenylalanine at codon 867 is replaced by tyrosine, an amino acid with highly similar properties. This amino acid position is conserved. In addition, this alteration is predicted to be tolerated by in silico analysis. Based on the available evidence, the clinical significance of this variant remains unclear.